The following is an entry in ClinVar:

ClinVar aggregate classification (germline): Likely benign (1 of 4 stars; one submission).

Allele frequency attached by ClinVar (database versions not stated): gnomAD 0.00931 and 0.01008; 1000 Genomes Project 0.00958; 1000 Genomes Project 30x 0.00999; TOPMed 0.01095.
gnomAD v4.1: 1,399 of 152,252 alleles (0.92%); highest among the groups gnomAD compares: African/African-American, 3.2%; 22 homozygotes.

Submission:

GeneDx
Classification: Likely benign. Last evaluated: 2018-06-16. Review status: criteria provided, single submitter. Criteria: GeneDx Variant Classification (06012015). Collection method: clinical testing. Allele origin: germline. Affected: yes.
Comment: This variant is considered likely benign or benign based on one or more of the following criteria: it is a conservative change, it occurs at a poorly conserved position in the protein, it is predicted to be benign by multiple in silico algorithms, and/or has population frequency not consistent with disease.

NM_004320.6(ATP2A1):c.1095+185C>G

Gene: ATP2A1 (ATPase sarcoplasmic/endoplasmic reticulum Ca2+ transporting 1; plus strand). Cytogenetic location: 16p11.2.
Variant type: single nucleotide variant.
Coding change: c.1095+185C>G on transcript NM_004320.6 (MANE Select); 185 bases into the intron after coding-DNA position 1095, C replaced by G.
Molecular consequence: intron variant.
Genome position (GRCh38, 1-based): chr16:28,889,138, C>G. VCF-style: chr16-28889138-C-G. GRCh37 (hg19) VCF-style: chr16-28900459-C-G.
Other names: c.1095+185C>G (NM_173201.5); c.720+185C>G (NM_001286075.2).
Identifiers: ClinVar variation 679002 (VCV000679002.1), dbSNP rs112454622, ClinGen allele CA279233235.
Genomic context (GRCh38, chr16:28,889,138, plus strand): 5'-AAGGGCAGTAGAACGCCATCCTGTCTGCCATGAACGGGATCAGAGAGGACCCTTGTGCCC[C>G]AGCCAGACAGCTCACTCTGACCACCATCCACGCACCAGGCACTGCCACACATCGTCTCTC-3'